The following is an entry in ClinVar:

NM_002184.4(IL6ST):c.411C>T (p.Asn137=)

Gene: IL6ST (interleukin 6 cytokine family signal transducer; minus strand). Cytogenetic location: 5q11.2.
Variant type: single nucleotide variant.
Coding change: c.411C>T on transcript NM_002184.4 (MANE Select); coding-DNA position 411, C replaced by T.
Protein change: p.Asn137=; no amino-acid change (asparagine 137 retained).
Molecular consequence: synonymous variant. On other transcripts: non-coding transcript variant (2), intron variant (3).
Genome position (GRCh38, 1-based): chr5:55,968,356, G>A on the plus strand (C>T on the coding strand, the complement: IL6ST is on the minus strand). VCF-style: chr5-55968356-G-A. GRCh37 (hg19) VCF-style: chr5-55264184-G-A.
Other names: c.411C>T, p.Asn137= (NM_001190981.2, NM_001364275.2, NM_175767.3); c.201C>T, p.Asn67= (NM_001364276.2); c.-423+1194C>T (NM_001364279.2, NM_001364277.2); c.-413+1194C>T (NM_001364278.2).
Identifiers: ClinVar variation 2876417 (VCV002876417.4), dbSNP rs774387992, ClinGen allele CA3271708.

ClinVar aggregate classification (germline): Conflicting classifications of pathogenicity. Review status: criteria provided, conflicting classifications (1 of 4 stars). 2 submissions from 2 submitters: Uncertain significance (1); Likely benign (1). Last evaluated 2025-03-18.

Allele frequency attached by ClinVar (database versions not stated): ExAC 0.00001; gnomAD exomes 0.00001; TOPMed 0.00001; gnomAD 0.00003.
gnomAD v4.1: 15 of 1,609,724 alleles (0.00093%); highest among the groups gnomAD compares: East Asian, 0.0045%; no homozygotes.

Submissions (2):

Labcorp Genetics (formerly Invitae), Labcorp
Classification: Uncertain significance. Last evaluated: 2025-03-18. Review status: criteria provided, single submitter. Criteria: Invitae Variant Classification Sherloc (09022015). Collection method: clinical testing. Allele origin: germline.
Comment: This sequence change affects codon 137 of the IL6ST mRNA. It is a 'silent' change, meaning that it does not change the encoded amino acid sequence of the IL6ST protein. This variant is present in population databases (rs774387992, gnomAD 0.003%). This variant has not been reported in the literature in individuals affected with IL6ST-related conditions. ClinVar contains an entry for this variant (Variation ID: 2876417). Algorithms developed to predict the effect of sequence changes on RNA splicing suggest that this variant may disrupt the consensus splice site. In summary, the available evidence is currently insufficient to determine the role of this variant in disease. Therefore, it has been classified as a Variant of Uncertain Significance.

Blueprint Genetics
Classification: Likely benign. Last evaluated: 2024-04-25. Review status: criteria provided, single submitter. Criteria: ACMG Guidelines, 2015. Collection method: clinical testing. Allele origin: germline.